The following is an entry in ClinVar:

ClinVar aggregate classification (germline): Benign. Review status: criteria provided, multiple submitters, no conflicts (2 of 4 stars). 2 submissions from 2 submitters: Benign (2). Last evaluated 2018-01-13.

Conditions:
Short-rib thoracic dysplasia 6 with or without polydactyly (SRTD6). Also called: Majewski Syndrome; POLYDACTYLY WITH NEONATAL CHONDRODYSTROPHY, TYPE II; SHORT RIB-POLYDACTYLY SYNDROME, TYPE IIA; SHORT-RIB THORACIC DYSPLASIA 6 WITH POLYDACTYLY; SHORT-RIB THORACIC DYSPLASIA 6 WITHOUT POLYDACTYLY. Identifiers: MedGen C0024507, MONDO:0009894, OMIM 263520.

Allele frequency attached by ClinVar (database versions not stated): 1000 Genomes Project 30x 0.00750; gnomAD 0.00862 and 0.00924; TOPMed 0.00961; 1000 Genomes Project 0.00799.

Submissions (2):

Illumina Laboratory Services, Illumina
Classification: Benign for Short-rib thoracic dysplasia 6 with or without polydactyly. Last evaluated: 2018-01-13. Review status: criteria provided, single submitter. Criteria: ICSL Variant Classification Criteria 13 December 2019. Collection method: clinical testing. Allele origin: germline.
Comment: This variant was observed in the ICSL laboratory as part of a predisposition screen in an ostensibly healthy population. It had not been previously curated by ICSL or reported in the Human Gene Mutation Database (HGMD: prior to June 1st, 2018), and was therefore a candidate for classification through an automated scoring system. Utilizing variant allele frequency, disease prevalence and penetrance estimates, and inheritance mode, an automated score was calculated to assess if this variant is too frequent to cause the disease. Based on the score and internal cut-off values, a variant classified as benign is not then subjected to further curation. The score for this variant resulted in a classification of benign for this disease.

Breakthrough Genomics
Classification: Benign. Review status: criteria provided, single submitter. Criteria: ACMG Guidelines, 2015. Collection method: not provided. Allele origin: germline. Inheritance: Autosomal recessive inheritance. Affected: yes.

NM_012224.2(NEK1):c.-640T>G

Genes: NEK1 (NIMA related kinase 1; minus strand), LOC129993367 (ATAC-STARR-seq lymphoblastoid active region 22139; plus strand). Cytogenetic location: 4q33.
Variant type: single nucleotide variant.
Coding change: c.-640T>G on transcript NM_012224.2; 640 bases upstream of the start codon, T replaced by G.
Genome position (GRCh38, 1-based): chr4:169,612,611, A>C on the plus strand (T>G on the coding strand, the complement: NEK1 is on the minus strand). VCF-style: chr4-169612611-A-C. GRCh37 (hg19) VCF-style: chr4-170533762-A-C.
Identifiers: ClinVar variation 899677 (VCV000899677.7), dbSNP rs549272215, ClinGen allele CA109930806.
Genomic context (GRCh38, chr4:169,612,611, plus strand): 5'-CAACCTAGGGTCCCAAAACCCTGGAGCGAATGCGGACTAAGGGAGAGCGGCCGGCGCGTC[A>C]CCGGCGCTGGCGTGTGACGTCAGCGCGTGGAAGGCGGCACGCAGCGGAGGCGGCTGGGAA-3'